The following is an entry in ClinVar:

ClinVar aggregate classification (germline): Uncertain significance (1 of 4 stars; one submission).

Submission:

Labcorp Genetics (formerly Invitae), Labcorp
Classification: Uncertain significance. Last evaluated: 2024-09-21. Review status: criteria provided, single submitter. Criteria: Invitae Variant Classification Sherloc (09022015). Collection method: clinical testing. Allele origin: germline.
Comment: This sequence change replaces phenylalanine, which is neutral and non-polar, with leucine, which is neutral and non-polar, at codon 753 of the COL4A5 protein (p.Phe753Leu). This variant is not present in population databases (gnomAD no frequency). This variant has not been reported in the literature in individuals affected with COL4A5-related conditions. ClinVar contains an entry for this variant (Variation ID: 1054664). Invitae Evidence Modeling of protein sequence and biophysical properties (such as structural, functional, and spatial information, amino acid conservation, physicochemical variation, residue mobility, and thermodynamic stability) indicates that this missense variant is not expected to disrupt COL4A5 protein function with a negative predictive value of 95%. Algorithms developed to predict the effect of sequence changes on RNA splicing suggest that this variant may disrupt the consensus splice site. In summary, the available evidence is currently insufficient to determine the role of this variant in disease. Therefore, it has been classified as a Variant of Uncertain Significance.

NM_033380.3(COL4A5):c.2259T>A (p.Phe753Leu)

Gene: COL4A5 (collagen type IV alpha 5 chain; plus strand). Cytogenetic location: Xq22.3.
Variant type: single nucleotide variant.
Coding change: c.2259T>A on transcript NM_033380.3 (MANE Select); coding-DNA position 2259, T replaced by A.
Protein change: p.Phe753Leu; replaces phenylalanine 753 with leucine.
Molecular consequence: missense variant.
Genome position (GRCh38, 1-based): chrX:108,606,756, T>A. VCF-style: chrX-108606756-T-A. GRCh37 (hg19) VCF-style: chrX-107849986-T-A.
Other names: c.2259T>A, p.Phe753Leu (NM_000495.5); short protein forms F753L.
Identifiers: ClinVar variation 1054664 (VCV001054664.9), dbSNP rs2147831970, ClinGen allele CA413848653.